The following is an entry in ClinVar:

NM_006231.4(POLE):c.6658-137G>A

Gene: POLE (DNA polymerase epsilon, catalytic subunit; minus strand). Cytogenetic location: 12q24.33.
Variant type: single nucleotide variant.
Coding change: c.6658-137G>A on transcript NM_006231.4 (MANE Select); 137 bases into the intron before coding-DNA position 6658, G replaced by A.
Molecular consequence: intron variant.
Genome position (GRCh38, 1-based): chr12:132,625,131, C>T on the plus strand (G>A on the coding strand, the complement: POLE is on the minus strand). VCF-style: chr12-132625131-C-T. GRCh37 (hg19) VCF-style: chr12-133201717-C-T.
Identifiers: ClinVar variation 4852742 (VCV004852742.2).

ClinVar aggregate classification (germline): Benign (1 of 4 stars; one submission).

gnomAD v4.1: 372 of 704,434 alleles (0.053%); highest among the groups gnomAD compares: African/African-American, 0.58%; 1 homozygote.

Submission:

Dasa
Classification: Benign. Last evaluated: 2025-12-19. Review status: criteria provided, single submitter. Criteria: DASA Assertion Criteria. Collection method: clinical testing. Allele origin: germline.
Comment: NM_006231.4(POLE):c.6658-137G>A is an intronic variant. Population frequency is inconsistent with a disease-causing role for this variant, observations in unaffected individuals support a benign interpretation, and the variant context is inconsistent with a known disease-causing mechanism. Therefore, based on the currently available evidence, this variant is classified as benign.